The following is an entry in ClinVar:

ClinVar aggregate classification (germline): Uncertain significance (1 of 4 stars; one submission).

Allele frequency attached by ClinVar (database versions not stated): TOPMed below 0.00001; gnomAD 0.00001.
gnomAD v4.1: 2 of 1,613,724 alleles (0.00012%); highest among the groups gnomAD compares: African/African-American, 0.0013%; no homozygotes.

Submission:

CeGaT Center for Human Genetics Tuebingen
Classification: Uncertain significance. Last evaluated: 2023-10-01. Review status: criteria provided, single submitter. Criteria: CeGaT Center For Human Genetics Tuebingen Variant Classification Criteria Version 2. Collection method: clinical testing. Allele origin: germline. Affected: yes. Observed: 1 variant allele.
Comment: PRPH2: PM2, BP4

NM_000322.5(PRPH2):c.930G>C (p.Arg310Ser)

Gene: PRPH2 (peripherin 2; minus strand). Cytogenetic location: 6p21.1.
Variant type: single nucleotide variant.
Coding change: c.930G>C on transcript NM_000322.5 (MANE Select); coding-DNA position 930, G replaced by C.
Protein change: p.Arg310Ser; replaces arginine 310 with serine.
Molecular consequence: missense variant.
Genome position (GRCh38, 1-based): chr6:42,698,406, C>G on the plus strand (G>C on the coding strand, the complement: PRPH2 is on the minus strand). VCF-style: chr6-42698406-C-G. GRCh37 (hg19) VCF-style: chr6-42666144-C-G.
Other names: short protein forms R310S.
Identifiers: ClinVar variation 2656564 (VCV002656564.24), dbSNP rs1322933079, ClinGen allele CA364133073.
Genomic context (GRCh38, chr6:42,698,406, plus strand): 5'-GTTGCCCTTGCCCAGCTTCTTCACACTCTCCAGAAAGGCCTTCCAGGTCTCCGGCACGCT[C>G]CTCTCCAGCAGCCAGCCCTGGCTCTCGCTCTCAGATTCCTCGGGGTTGGACACACCATCC-3'
Protein context (NP_000313.2, residues 300-320): ESESQGWLLE[Arg310Ser]SVPETWKAFL